The following is an entry in ClinVar:

NM_000059.4(BRCA2):c.1673_1677del (p.Ile558fs)

Gene: BRCA2 (BRCA2 DNA repair associated; plus strand). Cytogenetic location: 13q13.1.
Variant type: Deletion.
Coding change: c.1673_1677del on transcript NM_000059.4 (MANE Select); coding-DNA positions 1673 to 1677, 5 bases deleted (TTGAT; older notation c.1673_1677delTTGAT).
Protein change: p.Ile558fs; shifts the reading frame from isoleucine 558.
Molecular consequence: frameshift variant.
Genome position (GRCh38, 1-based): chr13:32,333,151-32,333,155, TTGAT deleted. VCF-style (leftmost placement, unchanged base first): chr13-32333150-ATTGAT-A. GRCh37 (hg19) VCF-style: chr13-32907287-ATTGAT-A.
Other names: c.1673_1677delTTGAT (NM_000059.3).
Identifiers: ClinVar variation 485413 (VCV000485413.12), dbSNP rs1555282011, ClinGen allele CA658656340.

ClinVar aggregate classification (germline): Pathogenic. Review status: criteria provided, multiple submitters, no conflicts (2 of 4 stars). 2 submissions from 2 submitters: Pathogenic (2). Last evaluated 2018-12-22.

Conditions:
Hereditary breast ovarian cancer syndrome. Also called: Hereditary breast and ovarian cancer syndrome; Hereditary breast and ovarian cancer; Hereditary breast and ovarian cancer syndrome (HBOC); Breast and ovarian cancer; Hereditary breast and/or ovarian cancer syndrome; BRCA1- and BRCA2-Associated Hereditary Breast and Ovarian Cancer. Identifiers: Orphanet 145, MedGen C0677776, MeSH D061325, MONDO:0003582. Disease mechanism: loss of function.
Hereditary cancer-predisposing syndrome. Also called: Neoplastic Syndromes, Hereditary; Tumor predisposition; Hereditary Cancer Syndrome; Hereditary neoplastic syndrome. Identifiers: Orphanet 140162, MedGen C0027672, MeSH D009386, MONDO:0015356.

Submissions (2):

Labcorp Genetics (formerly Invitae), Labcorp
Classification: Pathogenic for Hereditary breast ovarian cancer syndrome. Last evaluated: 2018-12-22. Review status: criteria provided, single submitter. Criteria: Invitae Variant Classification Sherloc (09022015). Collection method: clinical testing. Allele origin: germline.
Comment: This sequence change creates a premature translational stop signal (p.Ile558Lysfs*30) in the BRCA2 gene. It is expected to result in an absent or disrupted protein product. This variant is not present in population databases (ExAC no frequency). This variant has not been reported in the literature in individuals with BRCA2-related conditions. ClinVar contains an entry for this variant (Variation ID: 485413). Loss-of-function variants in BRCA2 are known to be pathogenic (PMID: 20104584). For these reasons, this variant has been classified as Pathogenic.

Ambry Genetics
Classification: Pathogenic for Hereditary cancer-predisposing syndrome. Last evaluated: 2016-03-09. Review status: criteria provided, single submitter. Criteria: Ambry Variant Classification Scheme 2023. Collection method: clinical testing. Allele origin: germline.
Comment: The c.1673_1677delTTGAT pathogenic mutation, located in coding exon 9 of the BRCA2 gene, results from a deletion of five nucleotides between nucleotide positions 1673 and 1677, causing a translational frameshift with a predicted alternate stop codon. Since frameshifts are typically deleterious in nature, this alteration is interpreted as a disease-causing mutation (ACMG Recommendations for Standards for Interpretation and Reporting of Sequence Variations. Revision 2007. Genet Med. 2008;10:294).

Literature cited by the submitters: PubMed 20104584 (cited by Labcorp Genetics (formerly Invitae), Labcorp).